The following is an entry in ClinVar:

NM_001374736.1(DST):c.1705A>G (p.Ile569Val)

Gene: DST (dystonin; minus strand). Cytogenetic location: 6p12.1.
Variant type: single nucleotide variant.
Coding change: c.1705A>G on transcript NM_001374736.1 (MANE Select); coding-DNA position 1705, A replaced by G.
Protein change: p.Ile569Val; replaces isoleucine 569 with valine.
Molecular consequence: missense variant.
Genome position (GRCh38, 1-based): chr6:56,645,939, T>C on the plus strand (A>G on the coding strand, the complement: DST is on the minus strand). VCF-style: chr6-56645939-T-C. GRCh37 (hg19) VCF-style: chr6-56510737-T-C.
Other names: c.1606A>G, p.Ile536Val (NM_001144769.5); c.1192A>G, p.Ile398Val (NM_001144770.2); c.1705A>G, p.Ile569Val (NM_001374722.1); c.1072A>G, p.Ile358Val (NM_001374729.1, NM_001374730.1, NM_001386100.1 and 1 more transcripts); c.1732A>G, p.Ile578Val (NM_001374734.1); short protein forms I358V, I398V, I569V, I578V, I536V.
Identifiers: ClinVar variation 1776284 (VCV001776284.2), dbSNP rs1233644424, ClinGen allele CA364615946.

ClinVar aggregate classification (germline): Uncertain significance (1 of 4 stars; one submission).

Conditions:
Inborn genetic diseases. Identifiers: MedGen C0950123, MeSH D030342.

Allele frequency attached by ClinVar (database versions not stated): TOPMed below 0.00001; gnomAD 0.00001.

Submission:

Ambry Genetics
Classification: Uncertain significance for Inborn genetic diseases. Last evaluated: 2021-06-08. Review status: criteria provided, single submitter. Criteria: Ambry Variant Classification Scheme 2023. Collection method: clinical testing. Allele origin: germline.
Comment: The p.I536V variant (also known as c.1606A>G), located in coding exon 14 of the DST gene, results from an A to G substitution at nucleotide position 1606. The isoleucine at codon 536 is replaced by valine, an amino acid with highly similar properties. This amino acid position is well conserved in available vertebrate species. In addition, this alteration is predicted to be tolerated by in silico analysis. Since supporting evidence is limited at this time, the clinical significance of this alteration remains unclear.